The following is an entry in ClinVar:

NM_002340.6(LSS):c.676_685dup (p.Leu229fs)

Gene: LSS (lanosterol synthase; minus strand). Cytogenetic location: 21q22.3.
Variant type: Duplication.
Coding change: c.676_685dup on transcript NM_002340.6 (MANE Select); coding-DNA positions 676 to 685, 10 bases duplicated (CCCTCCACAC; older notation c.676_685dupCCCTCCACAC).
Protein change: p.Leu229fs; shifts the reading frame from leucine 229.
Molecular consequence: frameshift variant.
Genome position (GRCh38, 1-based): chr21:46,216,487-46,216,496, GTGTGGAGGG duplicated on the plus strand (CCCTCCACAC on the coding strand, the reverse complement: LSS is on the minus strand); duplicating any 10 consecutive bases within chr21:46,216,487-46,216,501 gives the same sequence; the c. name uses the placement nearest the transcript's 3' end. VCF-style (leftmost placement, unchanged base first): chr21-46216486-A-AGTGTGGAGGG. GRCh37 (hg19) VCF-style: chr21-47636400-A-AGTGTGGAGGG.
Other names: c.676_685dup, p.Leu229fs (NM_001001438.3); c.643_652dup, p.Leu218fs (NM_001145436.2); c.436_445dup, p.Leu149fs (NM_001145437.2); short protein forms L149fs, L218fs, L229fs.
Identifiers: ClinVar variation 4805866 (VCV004805866.2).
Genomic context (GRCh38, chr21:46,216,486, plus strand): 5'-CTCAGCCGAACGGCGTAGCAGTAGCTCATGGGCAGGTACACCTGCCGGCAGTGGCACCAG[A>AGTGTGGAGGG]GTGTGGAGGGGTGTGCCGGTGCCCAGTCAGGAAACAGCCTGGGGCAACAGCAGGAGTCAG-3'

ClinVar aggregate classification (germline): Pathogenic/Likely pathogenic. Review status: criteria provided, multiple submitters, no conflicts (2 of 4 stars). 2 submissions from 2 submitters: Pathogenic (1); Likely pathogenic (1). Last evaluated 2026-08-06.

Conditions:
Alopecia-intellectual disability syndrome 4. Also called: ALOPECIA-MENTAL RETARDATION SYNDROME 4. Identifiers: MedGen C5394241, MONDO:0030009, OMIM 618840.

Submissions (2):

OLLIN Analises Genomicas, OLLIN
Classification: Likely pathogenic for Alopecia-intellectual disability syndrome 4. Last evaluated: 2026-08-06. Review status: criteria provided, single submitter. Criteria: ACMG Guidelines 2015 PMID 25741868. Collection method: clinical testing. Allele origin: germline.
Comment: This frameshift variant, located in exon 7 (of 22), has been observed in gnomAD with an allele frequency of 0.00025%, but has not been reported in ClinVar or identified in the literature. This variant causes a frameshift and introduces a premature stop codon, which is predicted to result in either a truncated protein or degradation of the mRNA via nonsense-mediated decay (NMD). According to the currently available evidence, this variant has been classified as likely pathogenic (PVS1, PM2_P).

Labcorp Genetics (formerly Invitae), Labcorp
Classification: Pathogenic. Last evaluated: 2025-12-23. Review status: criteria provided, single submitter. Criteria: Invitae Variant Classification Sherloc (09022015). Collection method: clinical testing. Allele origin: germline.
Comment: This sequence change creates a premature translational stop signal (p.Leu229Profs*47) in the LSS gene. It is expected to result in an absent or disrupted protein product. Loss-of-function variants in LSS are known to be pathogenic (PMID: 30723320). This variant is not present in population databases (gnomAD no frequency). This variant has not been reported in the literature in individuals affected with LSS-related conditions. For these reasons, this variant has been classified as Pathogenic.

Literature cited by the submitters: PubMed 30723320 (cited by Labcorp Genetics (formerly Invitae), Labcorp).